The following is an entry in ClinVar:

ClinVar aggregate classification (germline): Likely pathogenic. Review status: reviewed by expert panel (3 of 4 stars). 5 submissions from 5 submitters: Likely pathogenic (1). 4 of the submissions do not count toward it. Last evaluated 2021-12-10.

Conditions:
Mitochondrial disease. Also called: Mitochondrial disorder; Mitochondrial disorders. Identifiers: Orphanet 68380, MedGen C0751651, MeSH D028361, MONDO:0044970.
Primary Mitochondrial Disorders. Identifiers: MedGen CN381104.
MELAS syndrome (MELAS). Also called: Juvenile myopathy, encephalopathy, lactic acidosis, stroke. Identifiers: Orphanet 550, MedGen C0162671, MONDO:0010789, OMIM 540000.

Submissions (5):

ClinGen Mitochondrial Disease Nuclear and Mitochondrial  Variant Curation Expert Panel, ClinGen
Classification: Likely pathogenic for Mitochondrial disease. Last evaluated: 2021-12-10. Review status: reviewed by expert panel. Criteria: clingen mito disease acmg specifications v1-1. Collection method: curation. Allele origin: germline. Inheritance: Mitochondrial inheritance.
Comment: The m.1644G>A variant in MT-TV was reviewed by the Mitochondrial Disease Nuclear and Mitochondrial Variant Curation Expert Panel as part of the variant pilot for mitochondrial DNA variant specifications (McCormick et al., 2020; PMID: 32906214). This variant has been reported in 7 individuals with primary mitochondrial disease with variable features including cardiac (hypertrophic cardiomyopathy, LBBB); neurologic (neurodegeneration/dementia, stroke-like episodes, recurrent encephalopathy, epilepsy, ataxia, dystonia, Parkinsonism, mood disorder/disturbances, fatigue, muscle weakness, exercise intolerance, neuropathy, cognitive impairment, developmental regression); audiologic (bilateral sensorineural hearing loss); renal (cystic renal disease); GI (severe GI dysmotility, cachexia); and endocrine (diabetes) concerns as well as lab abnormalities (elevated blood and CSF lactate, elevated CK), and brain imaging abnormalities (atrophy, basal ganglia lesions, MRS lactate peak); with heteroplasmy levels in multiple tissues ranging from 85% to homoplasmy (PS4; PMIDs: 15320572, 23847141, 18314141, 21986556, 24691472). This variant heteroplasmy level segregated with severity in 2 family members from 1 family (PP1; PMID: 15320572). This variant is located at the same position as another variant associated with mitochondrial disease, m.1644G>T (PM5_supporting). This variant is absent in the GenBank data set and gnomAD v3.1.2 (PM2_supporting). The computational predictor MitoTIP suggests this variant impacts the function of this tRNA, as does HmtVar with a score of 1 (PP3). Cybrid studies supported the functional impact of this variant (PS3_supporting; PMID: 24691472). In summary, this variant meets criteria to be classified as likely pathogenic for primary mitochondrial disease inherited in a mitochondrial manner. This classification was approved by the NICHD U24 ClinGen Mitochondrial Disease Variant Curation Expert Panel as of August 20, 2020. Mitochondrial DNA-specific ACMG/AMP criteria applied: PS4, PS3_supporting, PM2_supporting, PM5_supporting, PP1, PP3.

Variantyx, Inc.
Classification: Likely pathogenic for Primary mitochondrial disorders. Last evaluated: 2025-08-01. Review status: criteria provided, single submitter. Criteria: Variantyx Assertion Criteria 2022. Collection method: clinical testing. Allele origin: germline. Not counted in ClinVar's aggregate classification.
Comment: The m.1644G>A change is a variant in the MT-TV gene, which encodes the mitochondrial transfer RNA for valine. Pathogenic variants in this gene have been associated with primary mitochondrial disorders. This variant has been reported in at least 7 unrelated affected individuals with variable features, including cardiomyopathy, neurological conditions, hearing loss, renal cysts, gastrointestinal abnormalities, diabetes, metabolic problems, and brain imaging abnormalities (PMID: 24691472, 18314141, 15320572, 23847141, 21986556) (PS4_Moderate). Functional studies support a deleterious effect for this variant (PMID: 24691472) (PS3) and computational algorithms support a deleterious effect on the gene or gene product 0.67 (PP3). This variant is absent from control populations (PM2). Other reputable laboratories have reported this variant as pathogenic or likely pathogenic, and this classification has been validated by an expert panel in ClinVar (PP5). An alternate nucleotide change at this position (m.1644G>T) has been previously reported in an individual with mitochondrial disease (PMID: 9270602). Based on the current evidence, this variant is classified as likely pathogenic for primary mitochondrial disorders.

Mendelics
Classification: Pathogenic for MELAS syndrome. Last evaluated: 2022-05-04. Review status: criteria provided, single submitter. Criteria: Mendelics Assertion Criteria 2019. Collection method: clinical testing. Allele origin: germline. Not counted in ClinVar's aggregate classification.

Wong Mito Lab, Molecular and Human Genetics, Baylor College of Medicine
Classification: Pathogenic for MELAS syndrome. Last evaluated: 2019-07-12. Review status: criteria provided, single submitter. Criteria: Modified ACMG Guidelines (Unpublished). Collection method: clinical testing. Allele origin: germline. Not counted in ClinVar's aggregate classification.
Comment: The NC_012920.1:m.1644G>A variant in MT-TV gene is interpreted to be a Pathogenic variant based on the modified ACMG guidelines (unpublished). This variant meets the following evidence codes reported in the guidelines: PS3, PS5, PP3

GeneReviews
No classification provided. Condition: MELAS syndrome. Review status: no classification provided. Collection method: literature only. Allele origin: maternal. Not counted in ClinVar's aggregate classification.

Literature cited by the submitters: PubMed 31965079 (cited by Wong Mito Lab, Molecular and Human Genetics, Baylor College of Medicine); PubMed 15320572 (cited by Wong Mito Lab, Molecular and Human Genetics, Baylor College of Medicine); PubMed 24691472 (cited by Wong Mito Lab, Molecular and Human Genetics, Baylor College of Medicine); PubMed 18314141 (cited by GeneReviews).

NC_012920.1(MT-TV):m.1644G>A

Gene: MT-TV (mitochondrially encoded tRNA valine; plus strand).
Variant type: single nucleotide variant.
Genome position: chrM-1644-G-A.
Identifiers: ClinVar variation 689846 (VCV000689846.5), dbSNP rs587776441, ClinGen allele CA913163370.